The following is an entry in ClinVar:

ClinVar aggregate classification (germline): Uncertain significance. Review status: criteria provided, multiple submitters, no conflicts (2 of 4 stars). 2 submissions from 2 submitters: Uncertain significance (2). Last evaluated 2025-09-08.

Conditions:
POLD1-related polyposis and colorectal cancer syndrome (CRCS10). Also called: Colorectal cancer 10; COLORECTAL CANCER, SUSCEPTIBILITY TO, ON CHROMOSOME 19q; Colorectal cancer, susceptibility to, 10. Identifiers: Orphanet 220460, MedGen C2675481, MONDO:0012953, OMIM 612591.
Hereditary cancer-predisposing syndrome. Also called: Tumor predisposition; Hereditary Cancer Syndrome; Hereditary neoplastic syndrome; Neoplastic Syndromes, Hereditary. Identifiers: Orphanet 140162, MedGen C0027672, MeSH D009386, MONDO:0015356.

Allele frequency attached by ClinVar (database versions not stated): gnomAD exomes below 0.00001.

Submissions (2):

Ambry Genetics
Classification: Uncertain significance for Hereditary cancer-predisposing syndrome. Last evaluated: 2025-09-08. Review status: criteria provided, single submitter. Criteria: Ambry Variant Classification Scheme 2023. Collection method: clinical testing. Allele origin: germline.
Comment: The c.686_687delAG variant, located in coding exon 5 of the POLD1 gene, results from a deletion of two nucleotides at nucleotide positions 686 to 687, causing a translational frameshift with a predicted alternate stop codon (p.Q229Rfs*22). This alteration is expected to result in loss of function by premature protein truncation or nonsense-mediated mRNA decay. However, loss of function has not been established as a mechanism of disease. Based on the available evidence, the clinical significance of this variant remains unclear.

Labcorp Genetics (formerly Invitae), Labcorp
Classification: Uncertain significance for POLD1-related polyposis and colorectal cancer syndrome. Last evaluated: 2024-12-12. Review status: criteria provided, single submitter. Criteria: Invitae Variant Classification Sherloc (09022015). Collection method: clinical testing. Allele origin: germline.
Comment: This sequence change creates a premature translational stop signal (p.Gln229Argfs*22) in the POLD1 gene. Missense variants that disrupt the 3'-5' exonuclease (proof-reading) activity of the POLD1 protein are associated with PPAP (polymerase proofreading–associated polyposis) (PMID: 23263490, 23447401). However, loss-of-function variants that result in an absent or severely disrupted POLD1 protein, and missense variants outside the exonuclease domain, are unlikely to be associated with PPAP. This variant is not present in population databases (gnomAD no frequency). This variant has not been reported in the literature in individuals affected with POLD1-related conditions. ClinVar contains an entry for this variant (Variation ID: 999547). In summary, the available evidence is currently insufficient to determine the role of this variant in disease. Therefore, it has been classified as a Variant of Uncertain Significance.

Literature cited by the submitters: PubMed 23263490 (cited by Labcorp Genetics (formerly Invitae), Labcorp); PubMed 23447401 (cited by Labcorp Genetics (formerly Invitae), Labcorp).

NM_002691.4(POLD1):c.686_687del (p.Gln229fs)

Gene: POLD1 (DNA polymerase delta 1, catalytic subunit; plus strand). Cytogenetic location: 19q13.33.
Variant type: Deletion.
Coding change: c.686_687del on transcript NM_002691.4 (MANE Select); coding-DNA positions 686 to 687, 2 bases deleted (AG; older notation c.686_687delAG).
Protein change: p.Gln229fs; shifts the reading frame from glutamine 229.
Molecular consequence: frameshift variant. On other transcripts: non-coding transcript variant (1).
Genome position (GRCh38, 1-based): chr19:50,402,301-50,402,302, AG deleted. VCF-style (leftmost placement, unchanged base first): chr19-50402300-CAG-C. GRCh37 (hg19) VCF-style: chr19-50905557-CAG-C.
Other names: c.686_687del, p.Gln229fs (NM_001256849.1, NM_001308632.1); c.686_687delAG (NM_002691.2); short protein forms Q229fs.
Identifiers: ClinVar variation 999547 (VCV000999547.9), dbSNP rs2038678414, ClinGen allele CA2340882750.